The following is an entry in ClinVar:

NM_001374828.1(ARID1B):c.876C>T (p.Gly292=)

Genes: ARID1B (AT-rich interaction domain 1B; plus strand), LOC129997525 (ATAC-STARR-seq lymphoblastoid silent region 17712; plus strand). Cytogenetic location: 6q25.3.
Variant type: single nucleotide variant.
Coding change: c.876C>T on transcript NM_001374828.1 (MANE Select); coding-DNA position 876, C replaced by T.
Protein change: p.Gly292=; no amino-acid change (glycine 292 retained).
Molecular consequence: synonymous variant.
Genome position (GRCh38, 1-based): chr6:156,778,556, C>T. VCF-style: chr6-156778556-C-T. GRCh37 (hg19) VCF-style: chr6-157099690-C-T.
Other names: c.627C>T, p.Gly209= (NM_001346813.1, NM_020732.3); c.876C>T, p.Gly292= (NM_001371656.1, NM_001374820.1, NM_017519.3); c.453C>T, p.Gly151= (NM_175863.2).
Identifiers: ClinVar variation 2663474 (VCV002663474.1), dbSNP rs1333423004, ClinGen allele CA452989100.

ClinVar aggregate classification (germline): Uncertain significance (1 of 4 stars; one submission).

Allele frequency attached by ClinVar (database versions not stated): gnomAD 0.00001; TOPMed 0.00002.
gnomAD v4.1: 1 of 1,234,614 alleles (0.000081%); highest among the groups gnomAD compares: African/African-American, 0.0016%; no homozygotes.

Submission:

GeneDx
Classification: Uncertain significance. Last evaluated: 2023-04-20. Review status: criteria provided, single submitter. Criteria: GeneDx Variant Classification Process June 2021. Collection method: clinical testing. Allele origin: germline. Affected: yes.
Comment: Not observed at significant frequency in large population cohorts (gnomAD); Has not been previously published as pathogenic or benign to our knowledge; In silico analysis suggests this variant may impact gene splicing. In the absence of RNA/functional studies, the actual effect of this sequence change is unknown.